The following is an entry in ClinVar:

NM_002432.3(MNDA):c.873A>T (p.Gln291His)

Gene: MNDA (myeloid cell nuclear differentiation antigen; plus strand). Cytogenetic location: 1q23.1.
Variant type: single nucleotide variant.
Coding change: c.873A>T on transcript NM_002432.3 (MANE Select); coding-DNA position 873, A replaced by T.
Protein change: p.Gln291His; replaces glutamine 291 with histidine.
Molecular consequence: missense variant.
Genome position (GRCh38, 1-based): chr1:158,845,889, A>T. VCF-style: chr1-158845889-A-T. GRCh37 (hg19) VCF-style: chr1-158815679-A-T.
Other names: short protein forms Q291H.
Identifiers: ClinVar variation 1764491 (VCV001764491.2), dbSNP rs1659124753, ClinGen allele CA343042085.

ClinVar aggregate classification (germline): Uncertain significance (1 of 4 stars; one submission).

Submission:

Ambry Genetics
Classification: Uncertain significance. Last evaluated: 2024-02-29. Review status: criteria provided, single submitter. Criteria: Ambry Variant Classification Scheme 2023. Collection method: clinical testing. Allele origin: germline.
Comment: The p.Q291H variant (also known as c.873A>T), located in coding exon 4 of the MNDA gene, results from an A to T substitution at nucleotide position 873. The glutamine at codon 291 is replaced by histidine, an amino acid with highly similar properties. This amino acid position is conserved. In addition, this alteration is predicted to be tolerated by in silico analysis. Since supporting evidence is limited at this time, the clinical significance of this alteration remains unclear.